The following is an entry in ClinVar:

ClinVar aggregate classification (germline): Pathogenic (1 of 4 stars; one submission).

Submission:

Labcorp Genetics (formerly Invitae), Labcorp
Classification: Pathogenic. Last evaluated: 2022-11-10. Review status: criteria provided, single submitter. Criteria: Invitae Variant Classification Sherloc (09022015). Collection method: clinical testing. Allele origin: germline.
Comment: Variants that disrupt the consensus splice site are a relatively common cause of aberrant splicing (PMID: 17576681, 9536098). Studies have shown that this variant results in skipping of exon 2 and introduces a new termination codon (PMID: 24714694). However the mRNA is not expected to undergo nonsense-mediated decay. This sequence change falls in intron 2 of the NKX2-1 gene. It does not directly change the encoded amino acid sequence of the NKX2-1 protein. RNA analysis indicates that this variant induces altered splicing and likely disrupts the C-terminus of the protein. This variant is not present in population databases (gnomAD no frequency). This variant has been observed in individual(s) with clinical features of NKX2-1-related conditions (PMID: 24714694). This variant is also known as c.373+5G>C. This variant disrupts a region of the NKX2-1 protein in which other variant(s) (p.Gln356*) have been determined to be pathogenic (Invitae). This suggests that this is a clinically significant region of the protein, and that variants that disrupt it are likely to be disease-causing. For these reasons, this variant has been classified as Pathogenic.

Literature cited by the submitters: PubMed 17576681; PubMed 9536098; PubMed 24714694.

NM_001079668.3(NKX2-1):c.463+5G>C

Genes: NKX2-1 (NK2 homeobox 1; minus strand), SFTA3 (surfactant associated 3; minus strand). Cytogenetic location: 14q13.3.
Variant type: single nucleotide variant.
Coding change: c.463+5G>C on transcript NM_001079668.3 (MANE Select); 5 bases into the intron after coding-DNA position 463, G replaced by C.
Molecular consequence: intron variant.
Genome position (GRCh38, 1-based): chr14:36,518,980, C>G on the plus strand (G>C on the coding strand, the complement: NKX2-1 is on the minus strand). VCF-style: chr14-36518980-C-G. GRCh37 (hg19) VCF-style: chr14-36988185-C-G.
Other names: c.373+5G>C (NM_003317.4).
Identifiers: ClinVar variation 2736107 (VCV002736107.3), dbSNP rs2502634439, ClinGen allele CA2695219204.
Genomic context (GRCh38, chr14:36,518,980, plus strand): 5'-TGGACGGCTCTCGCCGCACCTCCTGAGCTCAGCCCGCGGCCCCGCAGTGGGGCGGCCTCA[C>G]TTACTGGCGGGGAAGCGCGGGTCTGGGTTGGCGCCGTACCATCCGGGGCCAGAGGCGCTG-3'